The following is an entry in ClinVar:

NM_004473.4(FOXE1):c.729C>G (p.Pro243=)

Gene: FOXE1 (forkhead box E1; plus strand). Cytogenetic location: 9q22.33.
Variant type: single nucleotide variant.
Coding change: c.729C>G on transcript NM_004473.4 (MANE Select); coding-DNA position 729, C replaced by G.
Protein change: p.Pro243=; no amino-acid change (proline 243 retained).
Molecular consequence: synonymous variant.
Genome position (GRCh38, 1-based): chr9:97,854,643, C>G. VCF-style: chr9-97854643-C-G. GRCh37 (hg19) VCF-style: chr9-100616925-C-G.
Identifiers: ClinVar variation 3352146 (VCV003352146.1).

ClinVar aggregate classification (germline): Likely benign (0 of 4 stars; one submission).

Conditions:
FOXE1-related disorder. Also called: FOXE1-related condition.

Submission:

PreventionGenetics, part of Exact Sciences
Classification: Likely benign for FOXE1-related condition. Last evaluated: 2024-03-09. Review status: no assertion criteria provided. Collection method: clinical testing. Allele origin: germline.
Comment: This variant is classified as likely benign based on ACMG/AMP sequence variant interpretation guidelines (Richards et al. 2015 PMID: 25741868, with internal and published modifications).